The following is an entry in ClinVar:

ClinVar aggregate classification (germline): Uncertain significance (1 of 4 stars; one submission).

gnomAD v4.1: 8 of 1,605,662 alleles (0.0005%); highest among the groups gnomAD compares: African/African-American, 0.0067%; no homozygotes.

Submission:

Labcorp Genetics (formerly Invitae), Labcorp
Classification: Uncertain significance. Last evaluated: 2025-09-13. Review status: criteria provided, single submitter. Criteria: Invitae Variant Classification Sherloc (09022015). Collection method: clinical testing. Allele origin: germline.
Comment: This sequence change replaces isoleucine, which is neutral and non-polar, with valine, which is neutral and non-polar, at codon 510 of the ARCN1 protein (p.Ile510Val). This variant is not present in population databases (gnomAD no frequency). This variant has not been reported in the literature in individuals affected with ARCN1-related conditions. An algorithm developed to predict the effect of missense changes on protein structure and function (PolyPhen-2) suggests that this variant is likely to be tolerated. In summary, the available evidence is currently insufficient to determine the role of this variant in disease. Therefore, it has been classified as a Variant of Uncertain Significance.

NM_001655.5(ARCN1):c.1528A>G (p.Ile510Val)

Gene: ARCN1 (archain 1 coat protein complex I subunit delta; plus strand). Cytogenetic location: 11q23.3.
Variant type: single nucleotide variant.
Coding change: c.1528A>G on transcript NM_001655.5 (MANE Select); coding-DNA position 1528, A replaced by G.
Protein change: p.Ile510Val; replaces isoleucine 510 with valine.
Molecular consequence: missense variant. On other transcripts: 3 prime UTR variant (3), non-coding transcript variant (2).
Genome position (GRCh38, 1-based): chr11:118,600,706, A>G. VCF-style: chr11-118600706-A-G. GRCh37 (hg19) VCF-style: chr11-118471421-A-G.
Other names: c.1264A>G, p.Ile422Val (NM_001142281.2); c.1591A>G, p.Ile531Val (NM_001425073.1); c.1525A>G, p.Ile509Val (NM_001425074.1); c.1471A>G, p.Ile491Val (NM_001425075.1); c.1459A>G, p.Ile487Val (NM_001425076.1); c.1363A>G, p.Ile455Val (NM_001425077.1); c.*69A>G (NM_001425078.1, NM_001425079.1, NM_001425081.1); c.1084A>G, p.Ile362Val (NM_001425080.1); short protein forms I422V, I509V, I510V, I531V, I491V, I362V, I455V, I487V.
Identifiers: ClinVar variation 4781118 (VCV004781118.1).